The following is an entry in ClinVar:

ClinVar aggregate classification (germline): Uncertain significance. Review status: criteria provided, multiple submitters, no conflicts (2 of 4 stars). 2 submissions from 2 submitters: Uncertain significance (2). Last evaluated 2022-06-27.

Conditions:
Deficiency of acetyl-CoA acetyltransferase. Also called: MITOCHONDRIAL ACETOACETYL-CoA THIOLASE DEFICIENCY; 3-KETOTHIOLASE DEFICIENCY; 3-OXOTHIOLASE DEFICIENCY; Beta-ketothiolase deficiency. Identifiers: Orphanet 134, MedGen C1536500, MONDO:0008760, OMIM 203750. Disease mechanism: loss of function.

Allele frequency attached by ClinVar (database versions not stated): gnomAD exomes 0.00004 and 0.00005; ExAC 0.00006; gnomAD 0.00008 and 0.00007; TOPMed 0.00005; ESP Exome Variant Server 0.00008.
gnomAD v4.1: 62 of 1,478,866 alleles (0.0042%); highest among the groups gnomAD compares: Middle Eastern, 0.017%; 1 homozygote.

Submissions (2):

Labcorp Genetics (formerly Invitae), Labcorp
Classification: Uncertain significance for Deficiency of acetyl-CoA acetyltransferase. Last evaluated: 2022-06-27. Review status: criteria provided, single submitter. Criteria: Invitae Variant Classification Sherloc (09022015). Collection method: clinical testing. Allele origin: germline.
Comment: This sequence change replaces arginine, which is basic and polar, with tryptophan, which is neutral and slightly polar, at codon 31 of the ACAT1 protein (p.Arg31Trp). This variant is present in population databases (rs199952982, gnomAD 0.03%). This variant has not been reported in the literature in individuals affected with ACAT1-related conditions. ClinVar contains an entry for this variant (Variation ID: 92300). Advanced modeling of protein sequence and biophysical properties (such as structural, functional, and spatial information, amino acid conservation, physicochemical variation, residue mobility, and thermodynamic stability) performed at Invitae indicates that this missense variant is expected to disrupt ACAT1 protein function. In summary, the available evidence is currently insufficient to determine the role of this variant in disease. Therefore, it has been classified as a Variant of Uncertain Significance.

Eurofins Ntd Llc (ga)
Classification: Uncertain significance. Last evaluated: 2013-06-06. Review status: criteria provided, single submitter. Criteria: EGL Classification Definitions 2015. Collection method: clinical testing. Allele origin: germline. Observed: 1 variant allele, 1 heterozygote.

NM_000019.4(ACAT1):c.91C>T (p.Arg31Trp)

Gene: ACAT1 (acetyl-CoA acetyltransferase 1; plus strand). Cytogenetic location: 11q22.3.
Variant type: single nucleotide variant.
Coding change: c.91C>T on transcript NM_000019.4 (MANE Select); coding-DNA position 91, C replaced by T.
Protein change: p.Arg31Trp; replaces arginine 31 with tryptophan.
Molecular consequence: missense variant.
Genome position (GRCh38, 1-based): chr11:108,131,925, C>T. VCF-style: chr11-108131925-C-T. GRCh37 (hg19) VCF-style: chr11-108002652-C-T.
Other names: c.91C>T, p.Arg31Trp (LRG_1400t1); short protein forms R31W.
Identifiers: ClinVar variation 92300 (VCV000092300.8), dbSNP rs199952982, ClinGen allele CA220231.
Genomic context (GRCh38, chr11:108,131,925, plus strand): 5'-AATATTTTTTACATTATAACATTATAAATATTTATATTACAGGAAATAAGATATGTGGAA[C>T]GGAGTTATGTATCAAAACCCACTTTGAAGGTAAGTAATTTAAATTGTGCTTTAAAATTTC-3'
Protein context (NP_000010.1, residues 21-41): RLVQEIRYVE[Arg31Trp]SYVSKPTLKE